The following is an entry in ClinVar:

ClinVar aggregate classification (germline): Benign. Review status: criteria provided, multiple submitters, no conflicts (2 of 4 stars). 4 submissions from 3 submitters: Benign (4). Last evaluated 2021-07-14.

Conditions:
Congenital hypotrichosis with juvenile macular dystrophy (HJMD). Also called: HYPOTRICHOSIS WITH CONE-ROD DYSTROPHY. Identifiers: Orphanet 1573, MedGen C1832162, MONDO:0011107, OMIM 601553.
EEM syndrome (EEMS). Identifiers: Orphanet 1897, MedGen C1857041, MONDO:0009155, OMIM 225280.

Allele frequency attached by ClinVar (database versions not stated): 1000 Genomes Project 0.82648; 1000 Genomes Project 30x 0.82714; gnomAD exomes 0.83803 and 0.87131; ExAC 0.84127; TOPMed 0.86621; gnomAD 0.86641 and 0.87073; ESP Exome Variant Server 0.88712.
gnomAD v4.1: 1,404,425 of 1,612,428 alleles (87%); highest among the groups gnomAD compares: Non-Finnish European, 89%; 613,439 homozygotes.

Submissions (4):

Genome-Nilou Lab
Classification: Benign for EEM syndrome. Last evaluated: 2021-07-14. Review status: criteria provided, single submitter. Criteria: ACMG Guidelines, 2015. Collection method: clinical testing. Allele origin: germline. Affected: no.

Genome-Nilou Lab
Classification: Benign for Congenital hypotrichosis with juvenile macular dystrophy. Last evaluated: 2021-07-14. Review status: criteria provided, single submitter. Criteria: ACMG Guidelines, 2015. Collection method: clinical testing. Allele origin: germline. Affected: no.

GeneDx
Classification: Benign. Last evaluated: 2018-06-14. Review status: criteria provided, single submitter. Criteria: GeneDx Variant Classification (06012015). Collection method: clinical testing. Allele origin: germline. Affected: yes.
Comment: This variant is considered likely benign or benign based on one or more of the following criteria: it is a conservative change, it occurs at a poorly conserved position in the protein, it is predicted to be benign by multiple in silico algorithms, and/or has population frequency not consistent with disease.

Breakthrough Genomics
Classification: Benign. Review status: criteria provided, single submitter. Criteria: ACMG Guidelines, 2015. Collection method: not provided. Allele origin: germline. Inheritance: Autosomal recessive inheritance. Affected: yes.

NM_001793.6(CDH3):c.390+37T>C

Gene: CDH3 (cadherin 3; plus strand). Cytogenetic location: 16q22.1.
Variant type: single nucleotide variant.
Coding change: c.390+37T>C on transcript NM_001793.6 (MANE Select); 37 bases into the intron after coding-DNA position 390, T replaced by C.
Molecular consequence: intron variant.
Genome position (GRCh38, 1-based): chr16:68,678,314, T>C. VCF-style: chr16-68678314-T-C. GRCh37 (hg19) VCF-style: chr16-68712217-T-C.
Other names: c.225+37T>C (NM_001317196.2); c.390+37T>C (NM_001317195.3).
Identifiers: ClinVar variation 677162 (VCV000677162.5), dbSNP rs2296410, ClinGen allele CA8129014.
Genomic context (GRCh38, chr16:68,678,314, plus strand): 5'-CCCTTCCCCCAGAGACTGAATCAGGTACGACTGTGCCTTCTCCTGGGAAGCATTGGTGGC[T>C]CCAGGGACCCCCATCCAAAGGCCTGCATGAGATTTCTTGCTACTGAATGTGGGGGCTGAG-3'